The following is an entry in ClinVar:

ClinVar aggregate classification (germline): Benign/Likely benign. Review status: criteria provided, multiple submitters, no conflicts (2 of 4 stars). 14 submissions from 11 submitters: Benign (6); Likely benign (4). 4 of the submissions do not count toward it. Last evaluated 2026-01-31.

Conditions:
Early-onset myopathy with fatal cardiomyopathy (CMYO5). Also called: CONGENITAL MYOPATHY 5 WITH CARDIOMYOPATHY; Salih Myopathy. Identifiers: Orphanet 289377, MedGen C2673677, MONDO:0012714, OMIM 611705. Disease mechanism: loss of function.
Autosomal recessive limb-girdle muscular dystrophy type 2J (LGMDR10). Also called: MUSCULAR DYSTROPHY, LIMB-GIRDLE, AUTOSOMAL RECESSIVE 10; Limb-girdle muscular dystrophy, type 2J. Identifiers: Orphanet 140922, MedGen C1837342, MONDO:0012127, OMIM 608807.
Hypertrophic cardiomyopathy 9. Also called: Familial hypertrophic cardiomyopathy 9. Identifiers: MedGen C1861065, MONDO:0013412, OMIM 613765.
Dilated cardiomyopathy 1G (CMD1G). Identifiers: Orphanet 154, MedGen C1858763, MONDO:0011400, OMIM 604145.
Myopathy, myofibrillar, 9, with early respiratory failure (MFM9). Also called: EDSTROM MYOPATHY; Myopathy, distal, with early respiratory failure, autosomal dominant; Hereditary myopathy with early respiratory failure; MYOPATHY, PROXIMAL, WITH EARLY RESPIRATORY MUSCLE INVOLVEMENT. Identifiers: Orphanet 178464, Orphanet 34521, MedGen C1863599, MONDO:0011362, OMIM 603689.
Tibial muscular dystrophy (TMD). Also called: UDD MYOPATHY; Tibial muscular dystrophy, tardive; Udd Distal Myopathy – Tibial Muscular Dystrophy. Identifiers: Orphanet 609, MedGen C1838244, MONDO:0010870, OMIM 600334.

Allele frequency attached by ClinVar (database versions not stated): 1000 Genomes Project 30x 0.00031; 1000 Genomes Project 0.00040; TOPMed 0.00064; gnomAD 0.00065; gnomAD exomes 0.00091; ESP Exome Variant Server 0.00094; ExAC 0.00123.
gnomAD v4.1: 1,679 of 1,452,090 alleles (0.12%); highest among the groups gnomAD compares: Non-Finnish European, 0.14%; 1 homozygote.

Submissions (14):

Labcorp Genetics (formerly Invitae), Labcorp
Classification: Likely benign for Dilated cardiomyopathy 1G; Autosomal recessive limb-girdle muscular dystrophy type 2J. Last evaluated: 2026-01-31. Review status: criteria provided, single submitter. Criteria: Invitae Variant Classification Sherloc (09022015). Collection method: clinical testing. Allele origin: germline.

Blueprint Genetics
Classification: Likely benign. Last evaluated: 2024-09-30. Review status: criteria provided, single submitter. Criteria: ACMG Guidelines, 2015. Collection method: clinical testing. Allele origin: germline.

Genome-Nilou Lab
Classification: Benign for Autosomal recessive limb-girdle muscular dystrophy type 2J. Last evaluated: 2021-09-10. Review status: criteria provided, single submitter. Criteria: ACMG Guidelines, 2015. Collection method: clinical testing. Allele origin: germline. Affected: no.

Genome-Nilou Lab
Classification: Benign for Myopathy, myofibrillar, 9, with early respiratory failure. Last evaluated: 2021-09-10. Review status: criteria provided, single submitter. Criteria: ACMG Guidelines, 2015. Collection method: clinical testing. Allele origin: germline. Affected: no.

Genome-Nilou Lab
Classification: Benign for Early-onset myopathy with fatal cardiomyopathy. Last evaluated: 2021-09-10. Review status: criteria provided, single submitter. Criteria: ACMG Guidelines, 2015. Collection method: clinical testing. Allele origin: germline. Affected: no.

Genome-Nilou Lab
Classification: Benign for Tibial muscular dystrophy. Last evaluated: 2021-09-10. Review status: criteria provided, single submitter. Criteria: ACMG Guidelines, 2015. Collection method: clinical testing. Allele origin: germline. Affected: no.

Fulgent Genetics
Classification: Likely benign for Tibial muscular dystrophy; Myopathy, myofibrillar, 9, with early respiratory failure; Dilated cardiomyopathy 1G; Autosomal recessive limb-girdle muscular dystrophy type 2J; Early-onset myopathy with fatal cardiomyopathy; Hypertrophic cardiomyopathy 9. Last evaluated: 2021-08-11. Review status: criteria provided, single submitter. Criteria: ACMG Guidelines, 2015. Collection method: clinical testing. Allele origin: unknown.

Women's Health and Genetics/Laboratory Corporation of America, LabCorp
Classification: Benign. Last evaluated: 2021-02-01. Review status: criteria provided, single submitter. Criteria: LabCorp Variant Classification Summary - May 2015. Collection method: clinical testing. Allele origin: germline.
Comment: Variant summary: TTN c.33223+16C>T alters a non-conserved nucleotide located close to a canonical splice site and therefore could affect mRNA splicing, leading to a significantly altered protein sequence. 4/4 computational tools predict no significant impact on normal splicing. However, these predictions have yet to be confirmed by functional studies. The variant allele was found at a frequency of 0.00091 in 138088 control chromosomes, predominantly at a frequency of 0.0015 within the Non-Finnish European subpopulation in the gnomAD database. The observed variant frequency within Non-Finnish European control individuals in the gnomAD database is approximately 4 fold of the estimated maximal expected allele frequency for a pathogenic variant in TTN causing Dilated Cardiomyopathy phenotype (0.00039), strongly suggesting that the variant is a benign polymorphism found primarily in populations of Non-Finnish European origin. To our knowledge, no occurrence of c.33223+16C>T in individuals affected with Dilated Cardiomyopathy and no experimental evidence demonstrating its impact on protein function have been reported. One clinical diagnostic laboratory has submitted clinical-significance assessments for this variant to ClinVar after 2014 without evidence for independent evaluation and classified the variant as benign. Based on the evidence outlined above, the variant was classified as benign.

GeneDx
Classification: Benign. Last evaluated: 2015-05-04. Review status: criteria provided, single submitter. Criteria: GeneDx Variant Classification (06012015). Collection method: clinical testing. Allele origin: germline. Affected: yes.
Comment: This variant is considered likely benign or benign based on one or more of the following criteria: it is a conservative change, it occurs at a poorly conserved position in the protein, it is predicted to be benign by multiple in silico algorithms, and/or has population frequency not consistent with disease.

Breakthrough Genomics
Classification: Likely benign. Review status: criteria provided, single submitter. Criteria: ACMG Guidelines, 2015. Collection method: not provided. Allele origin: germline. Inheritance: Autosomal recessive inheritance. Affected: yes.

Clinical Genetics DNA and cytogenetics Diagnostics Lab, Erasmus MC, Erasmus Medical Center
Classification: Benign. Review status: no assertion criteria provided. Collection method: clinical testing. Allele origin: germline. Affected: yes. Study: VKGL Data-share Consensus. Not counted in ClinVar's aggregate classification.

Clinical Genetics, Academic Medical Center
Classification: Benign. Review status: no assertion criteria provided. Collection method: clinical testing. Allele origin: germline. Affected: yes. Study: VKGL Data-share Consensus. Not counted in ClinVar's aggregate classification.

Diagnostic Laboratory, Department of Genetics, University Medical Center Groningen
Classification: Likely benign. Review status: no assertion criteria provided. Collection method: clinical testing. Allele origin: germline. Affected: yes. Study: VKGL Data-share Consensus. Not counted in ClinVar's aggregate classification.

Genome Diagnostics Laboratory, University Medical Center Utrecht
Classification: Benign. Review status: no assertion criteria provided. Collection method: clinical testing. Allele origin: germline. Affected: yes. Study: VKGL Data-share Consensus. Not counted in ClinVar's aggregate classification.

NM_001267550.2(TTN):c.40927+16C>T

Gene: TTN (titin; minus strand). Cytogenetic location: 2q31.2.
Variant type: single nucleotide variant.
Coding change: c.40927+16C>T on transcript NM_001267550.2 (MANE Select); 16 bases into the intron after coding-DNA position 40927, C replaced by T.
Molecular consequence: intron variant.
Genome position (GRCh38, 1-based): chr2:178,637,353, G>A on the plus strand (C>T on the coding strand, the complement: TTN is on the minus strand). VCF-style: chr2-178637353-G-A. GRCh37 (hg19) VCF-style: chr2-179502080-G-A.
Other names: c.13732+16C>T (NM_003319.4); c.14308+16C>T (NM_133437.4); c.14107+16C>T (NM_133432.3); c.33223+16C>T (NM_133378.4); c.36004+16C>T (NM_001256850.1).
Identifiers: ClinVar variation 378817 (VCV000378817.25), dbSNP rs369965589, ClinGen allele CA1996349.